The following is an entry in ClinVar:

NM_005866.4(SIGMAR1):c.339C>T (p.Ser113=)

Gene: SIGMAR1 (sigma receptor chaperone 1; minus strand). Cytogenetic location: 9p13.3.
Variant type: single nucleotide variant.
Coding change: c.339C>T on transcript NM_005866.4 (MANE Select); coding-DNA position 339, C replaced by T.
Protein change: p.Ser113=; no amino-acid change (serine 113 retained).
Molecular consequence: synonymous variant. On other transcripts: intron variant (2).
Genome position (GRCh38, 1-based): chr9:34,637,233, G>A on the plus strand (C>T on the coding strand, the complement: SIGMAR1 is on the minus strand). VCF-style: chr9-34637233-G-A. GRCh37 (hg19) VCF-style: chr9-34637230-G-A.
Other names: c.339C>T, p.Ser113= (NM_001282205.2, NM_001282208.2, NM_147157.3); c.279C>T, p.Ser93= (NM_001282207.2); c.305+34C>T (NM_001282209.2); c.52+34C>T (NM_001282206.2).
Identifiers: ClinVar variation 534266 (VCV000534266.14), dbSNP rs754738945, ClinGen allele CA5035903.

ClinVar aggregate classification (germline): Likely benign. Review status: criteria provided, multiple submitters, no conflicts (2 of 4 stars). 3 submissions from 3 submitters: Likely benign (3). Last evaluated 2025-03-13.

Conditions:
Inborn genetic diseases. Identifiers: MedGen C0950123, MeSH D030342.
SIGMAR1-related disorder. Also called: SIGMAR1-related condition.
Amyotrophic lateral sclerosis type 16. Also called: AMYOTROPHIC LATERAL SCLEROSIS 16, JUVENILE. Identifiers: Orphanet 300605, MedGen C3280587, MONDO:0013715, OMIM 614373.
Autosomal recessive distal spinal muscular atrophy 2. Also called: NEUROPATHY, DISTAL HEREDITARY MOTOR, AUTOSOMAL RECESSIVE 2; NEURONOPATHY, DISTAL HEREDITARY MOTOR, JERASH TYPE; NEUROPATHY, DISTAL HEREDITARY MOTOR, JERASH TYPE; SPINAL MUSCULAR ATROPHY, JERASH TYPE; Hereditary motor neuropathy, Jerash type; Motor neuropathy, distal, Jerash type. Identifiers: Orphanet 139552, MedGen C1854023, MONDO:0011585, OMIM 605726.

Allele frequency attached by ClinVar (database versions not stated): gnomAD 0.00002; TOPMed 0.00002; ExAC 0.00007.
gnomAD v4.1: 42 of 1,559,422 alleles (0.0027%); highest among the groups gnomAD compares: Non-Finnish European, 0.0034%; no homozygotes.

Submissions (3):

PreventionGenetics, part of Exact Sciences
Classification: Likely benign for SIGMAR1-related condition. Last evaluated: 2025-03-13. Review status: criteria provided, single submitter. Criteria: ACMG Guidelines, 2015. Collection method: clinical testing. Allele origin: germline.
Comment: This variant is classified as likely benign based on ACMG/AMP sequence variant interpretation guidelines (Richards et al. 2015 PMID: 25741868, with internal and published modifications).

Labcorp Genetics (formerly Invitae), Labcorp
Classification: Likely benign for Autosomal recessive distal spinal muscular atrophy 2; Amyotrophic lateral sclerosis type 16. Last evaluated: 2024-08-27. Review status: criteria provided, single submitter. Criteria: Invitae Variant Classification Sherloc (09022015). Collection method: clinical testing. Allele origin: germline.

Ambry Genetics
Classification: Likely benign for Inborn genetic diseases. Last evaluated: 2019-07-11. Review status: criteria provided, single submitter. Criteria: Ambry Variant Classification Scheme 2023. Collection method: clinical testing. Allele origin: germline.